The following is an entry in ClinVar:

ClinVar aggregate classification (germline): Uncertain significance (1 of 4 stars; one submission).

Conditions:
Mosaic variegated aneuploidy syndrome 1 (MVA1). Also called: Warburton-Anyane-Yeboa syndrome. Identifiers: Orphanet 1052, MedGen C1850343, MONDO:0009759, OMIM 257300.

gnomAD v4.1: 8 of 1,612,484 alleles (0.0005%); highest among the groups gnomAD compares: South Asian, 0.0011%; no homozygotes.

Submission:

Labcorp Genetics (formerly Invitae), Labcorp
Classification: Uncertain significance for Mosaic variegated aneuploidy syndrome 1. Last evaluated: 2024-12-07. Review status: criteria provided, single submitter. Criteria: Invitae Variant Classification Sherloc (09022015). Collection method: clinical testing. Allele origin: germline.
Comment: This sequence change replaces arginine, which is basic and polar, with cysteine, which is neutral and slightly polar, at codon 814 of the BUB1B protein (p.Arg814Cys). This variant is present in population databases (rs769288048, gnomAD 0.0009%). This variant has not been reported in the literature in individuals affected with BUB1B-related conditions. An algorithm developed to predict the effect of missense changes on protein structure and function (PolyPhen-2) suggests that this variant is likely to be disruptive. This variant disrupts the p.Arg814 amino acid residue in BUB1B. Other variant(s) that disrupt this residue have been determined to be pathogenic (PMID: 15475955, 20516114, 30512160). This suggests that this residue is clinically significant, and that variants that disrupt this residue are likely to be disease-causing. In summary, the available evidence is currently insufficient to determine the role of this variant in disease. Therefore, it has been classified as a Variant of Uncertain Significance.

Literature cited by the submitters: PubMed 15475955; PubMed 20516114; PubMed 30512160.

NM_001211.6(BUB1B):c.2440C>T (p.Arg814Cys)

Gene: BUB1B (BUB1 mitotic checkpoint serine/threonine kinase B; plus strand). Cytogenetic location: 15q15.1.
Variant type: single nucleotide variant.
Coding change: c.2440C>T on transcript NM_001211.6 (MANE Select); coding-DNA position 2440, C replaced by T.
Protein change: p.Arg814Cys; replaces arginine 814 with cysteine.
Molecular consequence: missense variant.
Genome position (GRCh38, 1-based): chr15:40,212,553, C>T. VCF-style: chr15-40212553-C-T. GRCh37 (hg19) VCF-style: chr15-40504754-C-T.
Other names: short protein forms R814C.
Identifiers: ClinVar variation 3630667 (VCV003630667.2).